The following is an entry in ClinVar:

ClinVar aggregate classification (germline): Pathogenic (1 of 4 stars; one submission).

Conditions:
Hypohidrotic X-linked ectodermal dysplasia (XHED). Also called: ECTODERMAL DYSPLASIA, HYPOHIDROTIC, 1; CST SYNDROME; ECTODERMAL DYSPLASIA 1; Ectodermal Dysplasia 1, Anhidrotic; Christ-Siemans-Touraine syndrome; Anhidrotic ectodermal dysplasia X-linked. Identifiers: Orphanet 181, Orphanet 238468, MedGen C0162359, MONDO:0010585, OMIM 305100.

Submission:

Labcorp Genetics (formerly Invitae), Labcorp
Classification: Pathogenic for Hypohidrotic X-linked ectodermal dysplasia. Last evaluated: 2017-10-06. Review status: criteria provided, single submitter. Criteria: Invitae Variant Classification Sherloc (09022015). Collection method: clinical testing. Allele origin: germline.
Comment: This sequence change creates a premature translational stop signal (p.Ser81Leufs*19) in the EDA gene. It is expected to result in an absent or disrupted protein product. This variant is not present in population databases (ExAC no frequency). This variant has not been reported in the literature in individuals with EDA-related disease. Loss-of-function variants in EDA are known to be pathogenic (PMID: 9683615). For these reasons, this variant has been classified as Pathogenic.

Literature cited by the submitters: PubMed 9683615.

NM_001399.5(EDA):c.239dup (p.Ser81fs)

Gene: EDA (ectodysplasin A; plus strand). Cytogenetic location: Xq13.1.
Variant type: Duplication.
Coding change: c.239dup on transcript NM_001399.5 (MANE Select); coding-DNA position 239, one base duplicated (G; older notation c.239dupG).
Protein change: p.Ser81fs; shifts the reading frame from serine 81.
Molecular consequence: frameshift variant.
Genome position (GRCh38, 1-based): chrX:69,616,547, G duplicated; the last of 2 consecutive G bases (chrX:69,616,546-69,616,547); duplicating either gives the same sequence. VCF-style (leftmost placement, unchanged base first): chrX-69616545-C-CG. GRCh37 (hg19) VCF-style: chrX-68836389-C-CG.
Other names: c.239dup, p.Ser81fs (NM_001005609.2, NM_001005610.4, NM_001005612.3 and 1 more transcripts); c.239dupG (NM_001399.4); short protein forms S81fs.
Identifiers: ClinVar variation 528355 (VCV000528355.6), dbSNP rs1555972071, ClinGen allele CA658799768.